The following is an entry in ClinVar:

NM_001130987.2(DYSF):c.1134T>C (p.Pro378=)

Gene: DYSF (dysferlin; plus strand). Cytogenetic location: 2p13.2.
Variant type: single nucleotide variant.
Coding change: c.1134T>C on transcript NM_001130987.2 (MANE Select); coding-DNA position 1134, T replaced by C.
Protein change: p.Pro378=; no amino-acid change (proline 378 retained).
Molecular consequence: synonymous variant.
Genome position (GRCh38, 1-based): chr2:71,520,889, T>C. VCF-style: chr2-71520889-T-C. GRCh37 (hg19) VCF-style: chr2-71748019-T-C.
Other names: p.Pro346=; c.1041T>C, p.Pro347= (NM_001130455.2, NM_001130983.2, NM_001130984.2 and 1 more transcripts); c.1038T>C, p.Pro346= (NM_001130976.2, NM_001130977.2, NM_001130978.2 and 1 more transcripts); c.1131T>C, p.Pro377= (NM_001130979.2, NM_001130980.2, NM_001130981.2); c.1134T>C, p.Pro378= (NM_001130982.2, NM_001130985.2).
Identifiers: ClinVar variation 167017 (VCV000167017.45), dbSNP rs571559303, ClinGen allele CA233928.

ClinVar aggregate classification (germline): Conflicting classifications of pathogenicity. Review status: criteria provided, conflicting classifications (1 of 4 stars). 7 submissions from 7 submitters: Uncertain significance (1); Benign (5). 1 of the submissions does not count toward it. Last evaluated 2026-02-01.

Conditions:
Neuromuscular disease caused by qualitative or quantitative defects of dysferlin. Also called: Dysferlinopathy; Qualitative or quantitative defects of dysferlin. Identifiers: Orphanet 207073, MedGen C2931687, MONDO:0016145.
Autosomal recessive limb-girdle muscular dystrophy type 2B (LGMDR2). Also called: Limb-Girdle Muscular Dystrophy Type 2B (LGMD2B); MUSCULAR DYSTROPHY, LIMB-GIRDLE, TYPE 3; Limb-girdle muscular dystrophy, type 2B; MUSCULAR DYSTROPHY, LIMB-GIRDLE, AUTOSOMAL RECESSIVE 2. Identifiers: Orphanet 268, MedGen C1850889, MONDO:0009676, OMIM 253601.

Allele frequency attached by ClinVar (database versions not stated): gnomAD 0.00001 and 0.00043; TOPMed 0.00008; gnomAD exomes 0.00079 and 0.00165; ExAC 0.00191; 1000 Genomes Project 30x 0.00219; 1000 Genomes Project 0.00240.
gnomAD v4.1: 1,244 of 1,614,094 alleles (0.077%); highest among the groups gnomAD compares: South Asian, 1.3%; 19 homozygotes.

Submissions (7):

Labcorp Genetics (formerly Invitae), Labcorp
Classification: Benign for Neuromuscular disease caused by qualitative or quantitative defects of dysferlin. Last evaluated: 2026-02-01. Review status: criteria provided, single submitter. Criteria: Invitae Variant Classification Sherloc (09022015). Collection method: clinical testing. Allele origin: germline.

CeGaT Center for Human Genetics Tuebingen
Classification: Benign. Last evaluated: 2025-09-01. Review status: criteria provided, single submitter. Criteria: CeGaT Center For Human Genetics Tuebingen Variant Classification Criteria Version 2. Collection method: clinical testing. Allele origin: germline. Affected: yes. Observed: 2 variant alleles.
Comment: DYSF: BP4, BP7, BS1, BS2

Mayo Clinic Laboratories, Mayo Clinic
Classification: Benign. Last evaluated: 2024-10-30. Review status: criteria provided, single submitter. Criteria: ACMG Guidelines, 2015. Collection method: clinical testing. Allele origin: germline. Observed: 1 variant allele.
Comment: BS1, BS2, BP4, BP7

Illumina Laboratory Services, Illumina
Classification: Uncertain significance for Qualitative or quantitative defects of dysferlin. Last evaluated: 2018-01-13. Review status: criteria provided, single submitter. Criteria: ICSL Variant Classification Criteria 13 December 2019. Collection method: clinical testing. Allele origin: germline.

GeneDx
Classification: Benign. Last evaluated: 2017-11-16. Review status: criteria provided, single submitter. Criteria: GeneDx Variant Classification (06012015). Collection method: clinical testing. Allele origin: germline. Affected: yes.
Comment: This variant is considered likely benign or benign based on one or more of the following criteria: it is a conservative change, it occurs at a poorly conserved position in the protein, it is predicted to be benign by multiple in silico algorithms, and/or has population frequency not consistent with disease.

Eurofins Ntd Llc (ga)
Classification: Benign. Last evaluated: 2016-02-16. Review status: criteria provided, single submitter. Criteria: EGL Classification Definitions 2015. Collection method: clinical testing. Allele origin: germline. Observed: 2 variant alleles, 2 heterozygotes.

Natera, Inc.
Classification: Likely benign for Limb-girdle muscular dystrophy type 2B. Last evaluated: 2019-12-12. Review status: no assertion criteria provided. Collection method: clinical testing. Allele origin: germline. Not counted in ClinVar's aggregate classification.